The following is an entry in ClinVar:

ClinVar aggregate classification (germline): Pathogenic (1 of 4 stars; one submission).

Conditions:
Mucopolysaccharidosis, MPS-IV-A (MPS4A). Also called: Morquio syndrome A, mild; MORQUIO SYNDROME A; GALACTOSAMINE-6-SULFATASE DEFICIENCY; GALNS DEFICIENCY; MORQUIO A DISEASE; Mucopolysaccharidosis type IV A. Identifiers: Orphanet 309297, Orphanet 582, MedGen C0086651, MONDO:0009659, OMIM 253000.

Submission:

Labcorp Genetics (formerly Invitae), Labcorp
Classification: Pathogenic for Mucopolysaccharidosis, MPS-IV-A. Last evaluated: 2023-09-27. Review status: criteria provided, single submitter. Criteria: Invitae Variant Classification Sherloc (09022015). Collection method: clinical testing. Allele origin: unknown.
Comment: For these reasons, this variant has been classified as Pathogenic. This variant disrupts a region of the GALNS protein in which other variant(s) (p.Met494Val) have been determined to be pathogenic (PMID: 9298823, 23876334; Invitae). This suggests that this is a clinically significant region of the protein, and that variants that disrupt it are likely to be disease-causing. A similar copy number variant has been observed in individual(s) with Mucopolysaccharidosis type IVA (PMID: 34813777). This variant is a gross deletion of the genomic region encompassing exon(s) 2-13 of the GALNS gene. This variant would be expected to be in-frame, preserving the integrity of the reading frame.

Literature cited by the submitters: PubMed 9298823; PubMed 23876334; PubMed 34813777.

NC_000016.9:g.(?_88884395)_(88909257_?)del

Gene: GALNS (galactosamine (N-acetyl)-6-sulfatase; minus strand). Cytogenetic location: 16q24.3.
Variant type: Deletion.
Identifiers: ClinVar variation 3243320 (VCV003243320.1).